The following is an entry in ClinVar:

ClinVar aggregate classification (germline): Pathogenic (1 of 4 stars; one submission).

Conditions:
Arginase deficiency. Also called: Arginase 1 Deficiency; ARGININEMIA; ARG1 DEFICIENCY. Identifiers: Orphanet 90, MedGen C0268548, MONDO:0008814, OMIM 207800.

Submission:

Labcorp Genetics (formerly Invitae), Labcorp
Classification: Pathogenic for Arginase deficiency. Last evaluated: 2022-04-23. Review status: criteria provided, single submitter. Criteria: Invitae Variant Classification Sherloc (09022015). Collection method: clinical testing. Allele origin: germline.
Comment: For these reasons, this variant has been classified as Pathogenic. This variant has not been reported in the literature in individuals affected with ARG1-related conditions. This variant is not present in population databases (gnomAD no frequency). This sequence change creates a premature translational stop signal (p.Pro54Cysfs*2) in the ARG1 gene. It is expected to result in an absent or disrupted protein product. Loss-of-function variants in ARG1 are known to be pathogenic (PMID: 7649538, 12052859).

Literature cited by the submitters: PubMed 7649538; PubMed 12052859.

NM_000045.4(ARG1):c.159_163del (p.Pro54fs)

Genes: MED23 (mediator complex subunit 23; minus strand), ARG1 (arginase 1; plus strand). Cytogenetic location: 6q23.2.
Variant type: Deletion.
Coding change: c.159_163del on transcript NM_000045.4 (MANE Select); coding-DNA positions 159 to 163, 5 bases deleted (GCCCT; older notation c.159_163delGCCCT).
Protein change: p.Pro54fs; shifts the reading frame from proline 54.
Molecular consequence: frameshift variant. On other transcripts: non-coding transcript variant (1), intron variant (2).
Genome position (GRCh38, 1-based): chr6:131,579,139-131,579,143, GCCCT deleted; deleting any 5 consecutive bases within chr6:131,579,136-131,579,143 gives the same sequence; the c. name uses the placement nearest the transcript's 3' end. VCF-style (leftmost placement, unchanged base first): chr6-131579135-ACCTGC-A. GRCh37 (hg19) VCF-style: chr6-131900275-ACCTGC-A.
Other names: c.4078-4845_4078-4841del (NM_001270521.2); c.4096-4845_4096-4841del (NM_015979.4); c.183_187del, p.Pro62fs (NM_001244438.2); c.159_163del, p.Pro54fs (NM_001369020.1); short protein forms P54fs, P62fs.
Identifiers: ClinVar variation 2129477 (VCV002129477.4), dbSNP rs2482351431, ClinGen allele CA2580075103.